The following is an entry in ClinVar:

NM_003803.4(MYOM1):c.1899A>T (p.Ser633=)

Gene: MYOM1 (myomesin 1; minus strand). Cytogenetic location: 18p11.31.
Variant type: single nucleotide variant.
Coding change: c.1899A>T on transcript NM_003803.4 (MANE Select); coding-DNA position 1899, A replaced by T.
Protein change: p.Ser633=; no amino-acid change (serine 633 retained).
Molecular consequence: synonymous variant.
Genome position (GRCh38, 1-based): chr18:3,149,146, T>A on the plus strand (A>T on the coding strand, the complement: MYOM1 is on the minus strand). VCF-style: chr18-3149146-T-A. GRCh37 (hg19) VCF-style: chr18-3149144-T-A.
Other names: c.1899A>T, p.Ser633= (NM_019856.2).
Identifiers: ClinVar variation 3726412 (VCV003726412.2).

ClinVar aggregate classification (germline): Uncertain significance (1 of 4 stars; one submission).

Conditions:
Hypertrophic cardiomyopathy. Also called: HYPERTROPHIC MYOCARDIOPATHY. Identifiers: Orphanet 217569, MedGen C0007194, MeSH D002312, MONDO:0005045, HP:0001639.

gnomAD v4.1: 1 of 1,613,786 alleles (0.000062%); highest among the groups gnomAD compares: South Asian, 0.0011%; no homozygotes.

Submission:

Labcorp Genetics (formerly Invitae), Labcorp
Classification: Uncertain significance for Hypertrophic cardiomyopathy. Last evaluated: 2024-11-30. Review status: criteria provided, single submitter. Criteria: Invitae Variant Classification Sherloc (09022015). Collection method: clinical testing. Allele origin: germline.
Comment: This sequence change affects codon 633 of the MYOM1 mRNA. It is a 'silent' change, meaning that it does not change the encoded amino acid sequence of the MYOM1 protein. It affects a nucleotide within the consensus splice site. This variant is not present in population databases (gnomAD no frequency). This variant has not been reported in the literature in individuals affected with MYOM1-related conditions. Algorithms developed to predict the effect of sequence changes on RNA splicing suggest that this variant is not likely to affect RNA splicing. In summary, the available evidence is currently insufficient to determine the role of this variant in disease. Therefore, it has been classified as a Variant of Uncertain Significance.